The following is an entry in ClinVar:

NM_001429.4(EP300):c.3806+10A>G

Gene: EP300 (EP300 lysine acetyltransferase; plus strand). Cytogenetic location: 22q13.2.
Variant type: single nucleotide variant.
Coding change: c.3806+10A>G on transcript NM_001429.4 (MANE Select); 10 bases into the intron after coding-DNA position 3806, A replaced by G.
Molecular consequence: intron variant.
Genome position (GRCh38, 1-based): chr22:41,164,140, A>G. VCF-style: chr22-41164140-A-G. GRCh37 (hg19) VCF-style: chr22-41560144-A-G.
Other names: c.3728+10A>G (NM_001362843.2).
Identifiers: ClinVar variation 4883839 (VCV004883839.2).

ClinVar aggregate classification (germline): Uncertain significance (1 of 4 stars; one submission).

Submission:

Dasa
Classification: Uncertain significance. Last evaluated: 2026-04-02. Review status: criteria provided, single submitter. Criteria: DASA Assertion Criteria. Collection method: clinical testing. Allele origin: germline.
Comment: NM_001429.4(EP300):c.3806+10A>G is a splice-region variant. This variant is rare in population databases. Computational prediction algorithms are consistent with a benign effect. The currently available literature and clinical evidence are not sufficient to establish a definitive association between this variant and the reported condition. Therefore, this variant is classified as a variant of uncertain significance.